The following is an entry in ClinVar:

ClinVar aggregate classification (germline): Uncertain significance (1 of 4 stars; one submission).

Conditions:
RASopathy. Also called: rasopathies; Noonan spectrum disorder. Identifiers: Orphanet 536391, MedGen C5555857, MONDO:0021060.

Submission:

Labcorp Genetics (formerly Invitae), Labcorp
Classification: Uncertain significance for RASopathy. Last evaluated: 2025-05-13. Review status: criteria provided, single submitter. Criteria: Invitae Variant Classification Sherloc (09022015). Collection method: clinical testing. Allele origin: germline.
Comment: This sequence change replaces threonine, which is neutral and polar, with alanine, which is neutral and non-polar, at codon 234 of the RAF1 protein (p.Thr234Ala). This variant is not present in population databases (gnomAD no frequency). This variant has not been reported in the literature in individuals affected with RAF1-related conditions. ClinVar contains an entry for this variant (Variation ID: 2043822). Invitae Evidence Modeling of protein sequence and biophysical properties (such as structural, functional, and spatial information, amino acid conservation, physicochemical variation, residue mobility, and thermodynamic stability) indicates that this missense variant is not expected to disrupt RAF1 protein function with a negative predictive value of 95%. In summary, the available evidence is currently insufficient to determine the role of this variant in disease. Therefore, it has been classified as a Variant of Uncertain Significance.

NM_002880.4(RAF1):c.700A>G (p.Thr234Ala)

Gene: RAF1 (Raf-1 proto-oncogene, serine/threonine kinase; minus strand). Cytogenetic location: 3p25.2.
Variant type: single nucleotide variant.
Coding change: c.700A>G on transcript NM_002880.4 (MANE Select); coding-DNA position 700, A replaced by G.
Protein change: p.Thr234Ala; replaces threonine 234 with alanine.
Molecular consequence: missense variant. On other transcripts: non-coding transcript variant (3).
Genome position (GRCh38, 1-based): chr3:12,604,270, T>C on the plus strand (A>G on the coding strand, the complement: RAF1 is on the minus strand). VCF-style: chr3-12604270-T-C. GRCh37 (hg19) VCF-style: chr3-12645769-T-C.
Other names: c.700A>G, p.Thr234Ala (NM_001354689.3, NM_001354690.3); c.457A>G, p.Thr153Ala (NM_001354691.3, NM_001354692.3, NM_001354694.3); c.601A>G, p.Thr201Ala (NM_001354693.3); c.358A>G, p.Thr120Ala (NM_001354695.3); short protein forms T153A, T234A, T120A, T201A.
Identifiers: ClinVar variation 2043822 (VCV002043822.4), dbSNP rs2125398603, ClinGen allele CA351513174.